The following is an entry in ClinVar:

ClinVar aggregate classification (germline): Uncertain significance. Review status: criteria provided, multiple submitters, no conflicts (2 of 4 stars). 2 submissions from 2 submitters: Uncertain significance (2). Last evaluated 2024-03-06.

Conditions:
Hereditary cancer-predisposing syndrome. Also called: Neoplastic Syndromes, Hereditary; Tumor predisposition; Hereditary neoplastic syndrome; Hereditary Cancer Syndrome. Identifiers: Orphanet 140162, MedGen C0027672, MeSH D009386, MONDO:0015356.

Submissions (2):

Color Diagnostics, LLC DBA Color Health
Classification: Uncertain significance for Hereditary cancer-predisposing syndrome. Last evaluated: 2024-03-06. Review status: criteria provided, single submitter. Criteria: ACMG Guidelines, 2015. Collection method: clinical testing. Allele origin: germline.
Comment: This missense variant replaces lysine with threonine at codon 479 of the MSH6 protein. Computational prediction suggests that this variant may have deleterious impact on protein structure and function (internally defined REVEL score threshold >= 0.7, PMID: 27666373). To our knowledge, functional studies have not been reported for this variant. This variant has not been reported in individuals affected with hereditary cancer in the literature. This variant has not been identified in the general population by the Genome Aggregation Database (gnomAD). The available evidence is insufficient to determine the role of this variant in disease conclusively. Therefore, this variant is classified as a Variant of Uncertain Significance.

Ambry Genetics
Classification: Uncertain significance for Hereditary cancer-predisposing syndrome. Last evaluated: 2018-03-08. Review status: criteria provided, single submitter. Criteria: Ambry Variant Classification Scheme 2023. Collection method: clinical testing. Allele origin: germline.
Comment: The p.K479T variant (also known as c.1436A>C), located in coding exon 4 of the MSH6 gene, results from an A to C substitution at nucleotide position 1436. The lysine at codon 479 is replaced by threonine, an amino acid with similar properties. This amino acid position is highly conserved in available vertebrate species. In addition, this alteration is predicted to be deleterious by in silico analysis. In addition, the CoDP in silico tool predicts this alteration to likely impair molecular function, with a score of 0.939 (Terui H et al. J. Biomed. Sci. 2013 Apr;20:25). Since supporting evidence is limited at this time, the clinical significance of this alteration remains unclear.

NM_000179.3(MSH6):c.1436A>C (p.Lys479Thr)

Gene: MSH6 (mutS homolog 6; plus strand). Cytogenetic location: 2p16.3.
Variant type: single nucleotide variant.
Coding change: c.1436A>C on transcript NM_000179.3 (MANE Select); coding-DNA position 1436, A replaced by C.
Protein change: p.Lys479Thr; replaces lysine 479 with threonine.
Molecular consequence: missense variant.
Genome position (GRCh38, 1-based): chr2:47,799,419, A>C. VCF-style: chr2-47799419-A-C. GRCh37 (hg19) VCF-style: chr2-48026558-A-C.
Other names: c.1046A>C, p.Lys349Thr (NM_001281492.2); c.530A>C, p.Lys177Thr (NM_001281493.2, NM_001281494.2); short protein forms K479T, K177T, K349T.
Identifiers: ClinVar variation 628958 (VCV000628958.6), dbSNP rs1201556163, ClinGen allele CA346745564.